The following is an entry in ClinVar:

NM_000038.6(APC):c.645+5236A>C

Gene: APC (APC regulator of WNT signaling pathway; plus strand). Cytogenetic location: 5q22.2.
Variant type: single nucleotide variant.
Coding change: c.645+5236A>C on transcript NM_000038.6 (MANE Select); 5236 bases into the intron after coding-DNA position 645, A replaced by C.
Molecular consequence: intron variant.
Genome position (GRCh38, 1-based): chr5:112,786,139, A>C. VCF-style: chr5-112786139-A-C. GRCh37 (hg19) VCF-style: chr5-112121836-A-C.
Other names: c.645+5236A>C (NM_001354895.2, NM_001127510.3, NM_001354896.2 and 2 more transcripts); c.675+5236A>C (NM_001354897.2, NM_001354902.2, NM_001127511.3); c.570+5236A>C (NM_001354898.2, NM_001354904.2); c.-391+5236A>C (NM_001354906.2); c.468+5236A>C (NM_001354900.2, NM_001354901.2, NM_001354905.2).
Identifiers: ClinVar variation 82458 (VCV000082458.2), dbSNP rs74807701, ClinGen allele CA011570.

ClinVar aggregate classification (germline): other (0 of 4 stars; one submission).

Conditions:
Familial colorectal cancer. Identifiers: MedGen CN280943, MONDO:0023113. Disease mechanism: loss of function.

Submission:

Systems Biology Platform Zhejiang California International NanoSystems Institute
Classification: other for Familial colorectal cancer. Review status: no assertion criteria provided. Collection method: not provided. Allele origin: unknown.
ClinVar note: Converted during submission from cancer to other.